The following is an entry in ClinVar:

NM_001358530.2(MOCS1):c.1001_1002del (p.Asn333_Ser334insTer)

Gene: MOCS1 (molybdenum cofactor synthesis 1; minus strand). Cytogenetic location: 6p21.2.
Variant type: Microsatellite.
Coding change: c.1001_1002del on transcript NM_001358530.2 (MANE Select); coding-DNA positions 1001 to 1002, 2 bases deleted (CT; older notation c.1001_1002delCT).
Protein change: p.Asn333_Ser334insTer.
Molecular consequence: nonsense. On other transcripts: non-coding transcript variant (1).
Genome position (GRCh38, 1-based): chr6:39,909,935-39,909,936, AG deleted on the plus strand (CT on the coding strand, the reverse complement: MOCS1 is on the minus strand); deleting any 2 consecutive bases within chr6:39,909,935-39,909,938 gives the same sequence; the c. name uses the placement nearest the transcript's 3' end. VCF-style (leftmost placement, unchanged base first): chr6-39909934-CAG-C. GRCh37 (hg19) VCF-style: chr6-39877678-CAG-C.
Other names: c.1001_1002del, p.Asn333_Ser334insTer (NM_001075098.4, NM_001358529.2, NM_005943.6); c.740_741del, p.Asn246_Ser247insTer (NM_001358531.2, NM_001358533.2, NM_001358534.2).
Identifiers: ClinVar variation 1362490 (VCV001362490.6), dbSNP rs1562086521, ClinGen allele CA566708613.

ClinVar aggregate classification (germline): Pathogenic (1 of 4 stars; one submission).

Conditions:
Sulfite oxidase deficiency due to molybdenum cofactor deficiency type A. Also called: Molybdenum cofactor deficiency, complementation group A; Molybdenum Cofactor Deficiency A. Identifiers: Orphanet 308386, Orphanet 833, MedGen C1854988, MONDO:0009643, OMIM 252150.

Submission:

Labcorp Genetics (formerly Invitae), Labcorp
Classification: Pathogenic for Sulfite oxidase deficiency due to molybdenum cofactor deficiency type A. Last evaluated: 2023-11-24. Review status: criteria provided, single submitter. Criteria: Invitae Variant Classification Sherloc (09022015). Collection method: clinical testing. Allele origin: germline.
Comment: This sequence change creates a premature translational stop signal (p.Ser334*) in the MOCS1 gene. It is expected to result in an absent or disrupted protein product. Loss-of-function variants in MOCS1 are known to be pathogenic (PMID: 12754701, 16021469). This variant is present in population databases (no rsID available, gnomAD 0.01%). This variant has not been reported in the literature in individuals affected with MOCS1-related conditions. ClinVar contains an entry for this variant (Variation ID: 1362490). For these reasons, this variant has been classified as Pathogenic.

Literature cited by the submitters: PubMed 12754701; PubMed 16021469.